The following is an entry in ClinVar:

ClinVar aggregate classification (germline): Benign. Review status: criteria provided, multiple submitters, no conflicts (2 of 4 stars). 21 submissions from 20 submitters: Benign (17). 4 of the submissions do not count toward it. Last evaluated 2026-02-04.

Conditions:
Cardiovascular phenotype. Identifiers: MedGen CN230736.
Left ventricular noncompaction 10 (LVNC10). Identifiers: Orphanet 154, Orphanet 54260, MedGen C3715165, MONDO:0014163, OMIM 615396.
Cardiomyopathy (CMYO). Also called: Cardiomyopathies. Identifiers: Orphanet 167848, MedGen C0878544, MONDO:0004994, HP:0001638. Inheritance: Various modes of inheritance.
Hypertrophic cardiomyopathy 4. Also called: Familial hypertrophic cardiomyopathy 4. Identifiers: MedGen C1861862, MONDO:0007268, OMIM 115197.
Hypertrophic cardiomyopathy. Also called: HYPERTROPHIC MYOCARDIOPATHY. Identifiers: Orphanet 217569, MedGen C0007194, MeSH D002312, MONDO:0005045, HP:0001639.

Allele frequency attached by ClinVar (database versions not stated): 1000 Genomes Project 30x 0.03123; 1000 Genomes Project 0.03295; TOPMed 0.06277; ESP Exome Variant Server 0.06368; gnomAD exomes 0.06540 and 0.08983; gnomAD 0.06668 and 0.06899; ExAC 0.09043.
gnomAD v4.1: 136,680 of 1,563,914 alleles (8.7%); highest among the groups gnomAD compares: Non-Finnish European, 10%; 6,739 homozygotes.

Submissions (21):

Labcorp Genetics (formerly Invitae), Labcorp
Classification: Benign for Hypertrophic cardiomyopathy. Last evaluated: 2026-02-04. Review status: criteria provided, single submitter. Criteria: Invitae Variant Classification Sherloc (09022015). Collection method: clinical testing. Allele origin: germline.

ARUP Laboratories, Molecular Genetics and Genomics, ARUP Laboratories
Classification: Benign. Last evaluated: 2025-07-17. Review status: criteria provided, single submitter. Criteria: ARUP Molecular Germline Variant Investigation Process 2024. Collection method: clinical testing. Allele origin: germline.

Molecular Diagnostic Laboratory for Inherited Cardiovascular Disease, Montreal Heart Institute
Classification: Benign. Last evaluated: 2025-04-08. Review status: criteria provided, single submitter. Criteria: ACMG Guidelines, 2015. Collection method: clinical testing. Allele origin: germline. Affected: no.

Blueprint Genetics
Classification: Benign. Last evaluated: 2024-11-27. Review status: criteria provided, single submitter. Criteria: ACMG Guidelines, 2015. Collection method: clinical testing. Allele origin: germline.

All of Us Research Program, National Institutes of Health
Classification: Benign for Hypertrophic cardiomyopathy. Last evaluated: 2024-02-05. Review status: criteria provided, single submitter. Criteria: ACMG Guidelines, 2015. Collection method: clinical testing. Allele origin: germline. Inheritance: Autosomal dominant inheritance. Observed: 16,452 variant alleles, 15,669 heterozygotes, 783 homozygotes.
Comment: This study involves interpretation of variants in research participants for the purpose of population health screening. Participant phenotype was not available at the time of variant classification. Additional details can be found in publication PMID: 35346344, PMCID: PMC8962531

GeneDx
Classification: Benign. Last evaluated: 2021-02-10. Review status: criteria provided, single submitter. Criteria: GeneDx Variant Classification Process June 2021. Collection method: clinical testing. Allele origin: germline. Affected: yes.
Comment: This variant is associated with the following publications: (PMID: 12818575, 25342278, 14563344, 20689143)

Color Diagnostics, LLC DBA Color Health
Classification: Benign for Cardiomyopathy. Last evaluated: 2018-04-08. Review status: criteria provided, single submitter. Criteria: ACMG Guidelines, 2015. Collection method: clinical testing. Allele origin: germline.

Illumina Laboratory Services, Illumina
Classification: Benign for Hypertrophic cardiomyopathy 4. Last evaluated: 2018-01-13. Review status: criteria provided, single submitter. Criteria: ICSL Variant Classification Criteria 13 December 2019. Collection method: clinical testing. Allele origin: germline.
Comment: This variant was observed in the ICSL laboratory as part of a predisposition screen in an ostensibly healthy population. It had not been previously curated by ICSL or reported in the Human Gene Mutation Database (HGMD: prior to June 1st, 2018), and was therefore a candidate for classification through an automated scoring system. Utilizing variant allele frequency, disease prevalence and penetrance estimates, and inheritance mode, an automated score was calculated to assess if this variant is too frequent to cause the disease. Based on the score and internal cut-off values, a variant classified as benign is not then subjected to further curation. The score for this variant resulted in a classification of benign for this disease.

Illumina Laboratory Services, Illumina
Classification: Benign for Left ventricular noncompaction 10. Last evaluated: 2018-01-13. Review status: criteria provided, single submitter. Criteria: ICSL Variant Classification Criteria 13 December 2019. Collection method: clinical testing. Allele origin: germline.
Comment: the same text as in the submission from Illumina Laboratory Services, Illumina above.

Genome Diagnostics Laboratory, University Medical Center Utrecht
Classification: Benign for Hypertrophic cardiomyopathy 4. Last evaluated: 2016-11-17. Review status: criteria provided, single submitter. Criteria: ACGS Guidelines, 2013. Collection method: clinical testing. Allele origin: germline. Affected: yes. Study: VKGL Data-share Consensus.

Clinical Genetics DNA and cytogenetics Diagnostics Lab, Erasmus MC, Erasmus Medical Center
Classification: Benign for Hypertrophic cardiomyopathy 4. Last evaluated: 2015-09-21. Review status: criteria provided, single submitter. Criteria: ACGS Guidelines, 2013. Collection method: clinical testing. Allele origin: germline. Affected: yes. Study: VKGL Data-share Consensus.

Ambry Genetics
Classification: Benign for Cardiovascular phenotype. Last evaluated: 2015-06-18. Review status: criteria provided, single submitter. Criteria: Ambry Variant Classification Scheme 2023. Collection method: clinical testing. Allele origin: germline.

Mayo Clinic Laboratories, Mayo Clinic
Classification: Benign. Last evaluated: 2014-08-06. Review status: criteria provided, single submitter. Criteria: ACMG Guidelines, 2015. Collection method: clinical testing. Allele origin: germline. Observed: 241 variant alleles.

Biesecker Lab/Clinical Genomics Section, National Institutes of Health
Classification: Benign. Last evaluated: 2013-06-24. Review status: criteria provided, single submitter. Criteria: Ng et al. (Circ Cardiovasc Genet. 2013). Collection method: research. Allele origin: unknown. Observed: 51 variant alleles. Study: ClinSeq.
Comment: The study set was not selected for affection status in relation to any cancer. Pathogenicity categories were based on literature curation. See Pubmed ID:23861362 for details.

Medical sequencing

Laboratory for Molecular Medicine, Mass General Brigham Personalized Medicine
Classification: Benign. Last evaluated: 2008-01-18. Review status: criteria provided, single submitter. Criteria: LMM Criteria. Collection method: clinical testing. Allele origin: germline. Observed: 870 variant alleles.

Breakthrough Genomics
Classification: Benign. Review status: criteria provided, single submitter. Criteria: ACMG Guidelines, 2015. Collection method: not provided. Allele origin: germline. Inheritance: Autosomal dominant inheritance. Affected: yes.

PreventionGenetics, part of Exact Sciences
Classification: Benign. Review status: criteria provided, single submitter. Criteria: ACMG Guidelines, 2015. Collection method: clinical testing. Allele origin: germline.

Cohesion Phenomics
Classification: Benign for Hypertrophic cardiomyopathy. Last evaluated: 2022-10-10. Review status: no assertion criteria provided. Criteria: ACMG Guidelines, 2015. Collection method: clinical testing. Allele origin: germline. Affected: yes. Not counted in ClinVar's aggregate classification.

Clinical Genetics, Academic Medical Center
Classification: Benign. Review status: no assertion criteria provided. Collection method: clinical testing. Allele origin: germline. Affected: yes. Study: VKGL Data-share Consensus. Not counted in ClinVar's aggregate classification.

Diagnostic Laboratory, Department of Genetics, University Medical Center Groningen
Classification: Benign for Hypertrophic cardiomyopathy 4. Review status: no assertion criteria provided. Collection method: clinical testing. Allele origin: germline. Affected: yes. Study: VKGL Data-share Consensus. Not counted in ClinVar's aggregate classification.

Joint Genome Diagnostic Labs from Nijmegen and Maastricht, Radboudumc and MUMC+
Classification: Benign. Review status: no assertion criteria provided. Collection method: clinical testing. Allele origin: germline. Affected: yes. Study: VKGL Data-share Consensus. Not counted in ClinVar's aggregate classification.

Literature cited by the submitters: PubMed 12818575 (cited by Laboratory for Molecular Medicine, Mass General Brigham Personalized Medicine); PubMed 14563344 (cited by Laboratory for Molecular Medicine, Mass General Brigham Personalized Medicine).

NM_000256.3(MYBPC3):c.472G>A (p.Val158Met)

Gene: MYBPC3 (myosin binding protein C3; minus strand). Cytogenetic location: 11p11.2.
Variant type: single nucleotide variant.
Coding change: c.472G>A on transcript NM_000256.3 (MANE Select); coding-DNA position 472, G replaced by A.
Protein change: p.Val158Met; replaces valine 158 with methionine.
Molecular consequence: missense variant.
Genome position (GRCh38, 1-based): chr11:47,350,047, C>T on the plus strand (G>A on the coding strand, the complement: MYBPC3 is on the minus strand). VCF-style: chr11-47350047-C-T. GRCh37 (hg19) VCF-style: chr11-47371598-C-T.
Other names: p.V158M:GTG>ATG; short protein forms V158M.
Identifiers: ClinVar variation 42758 (VCV000042758.54), dbSNP rs3729986, ClinGen allele CA015199.
Genomic context (GRCh38, chr11:47,350,047, plus strand): 5'-ATGCTGGGCACAGCAGCTCACACTCACCCACGGTCACCTCGCCATCCTGTGGCCGCATCA[C>T]GAAGAGGCCAATGGGGTCATCGGGGGCTCCAGGGGTAGGACCATTGAGAGCTGCTGAGCT-3'
Protein context (NP_000247.2, residues 148-168): GAPDDPIGLF[Val158Met]MRPQDGEVTV